The following is an entry in ClinVar:

NM_003002.4(SDHD):c.480A>T (p.Ter160Cys)

Gene: SDHD (succinate dehydrogenase complex subunit D; plus strand). Cytogenetic location: 11q23.1.
Variant type: single nucleotide variant.
Coding change: c.480A>T on transcript NM_003002.4 (MANE Select); coding-DNA position 480, A replaced by T.
Protein change: p.Ter160Cys.
Molecular consequence: stop lost. On other transcripts: 3 prime UTR variant (2), non-coding transcript variant (1).
Genome position (GRCh38, 1-based): chr11:112,094,970, A>T. VCF-style: chr11-112094970-A-T. GRCh37 (hg19) VCF-style: chr11-111965694-A-T.
Other names: c.*77A>T (NM_001276503.2); c.363A>T, p.Ter121Cys (NM_001276504.2); c.*178A>T (NM_001276506.2).
Identifiers: ClinVar variation 2036413 (VCV002036413.4), dbSNP rs587778663, ClinGen allele CA382619610.
Genomic context (GRCh38, chr11:112,094,970, plus strand): 5'-CTATTTCAACTATCACGATGTGGGCATCTGCAAAGCTGTTGCCATGCTGTGGAAGCTCTG[A>T]CCTTTTTGACTTCATACTTTGAAGAATTGATGTATGCCTCTTTGCCTCTGCTTTGTCATG-3'

ClinVar aggregate classification (germline): Uncertain significance (1 of 4 stars; one submission).

Conditions:
Pheochromocytoma. Also called: MAX-Related Hereditary Paraganglioma-Pheochromocytoma Syndrome. Identifiers: Orphanet 29072, MedGen C0031511, MONDO:0008233, OMIM 171300, HP:0002666.
Carney-Stratakis syndrome. Also called: PARAGANGLIOMA AND GASTROINTESTINAL STROMAL TUMOR. Identifiers: Orphanet 97286, MedGen C1847319, MONDO:0011740, OMIM 606864.
Paragangliomas with sensorineural hearing loss. Identifiers: MedGen C1868633.
Cowden syndrome 3 (CWS3). Identifiers: Orphanet 201, MedGen CN166604, MONDO:0014045.

Submission:

Labcorp Genetics (formerly Invitae), Labcorp
Classification: Uncertain significance for Carney-Stratakis syndrome; Paragangliomas with sensorineural hearing loss; Pheochromocytoma; Cowden syndrome 3. Last evaluated: 2022-10-21. Review status: criteria provided, single submitter. Criteria: Invitae Variant Classification Sherloc (09022015). Collection method: clinical testing. Allele origin: germline.
Comment: In summary, the available evidence is currently insufficient to determine the role of this variant in disease. Therefore, it has been classified as a Variant of Uncertain Significance. Experimental studies and prediction algorithms are not available or were not evaluated, and the functional significance of this variant is currently unknown. This variant has not been reported in the literature in individuals affected with SDHD-related conditions. This variant is not present in population databases (gnomAD no frequency). This sequence change disrupts the translational stop signal of the SDHD mRNA. It is expected to extend the length of the SDHD protein by 3 additional amino acid residues.